The following is an entry in ClinVar:

ClinVar aggregate classification (germline): Uncertain significance. Review status: criteria provided, multiple submitters, no conflicts (2 of 4 stars). 2 submissions from 2 submitters: Uncertain significance (2). Last evaluated 2025-11-05.

Conditions:
Inborn genetic diseases. Identifiers: MedGen C0950123, MeSH D030342.
Congenital myasthenic syndrome 8. Also called: Myasthenic syndrome, congenital, 8, with pre- and postsynaptic defects; MYASTHENIC SYNDROME, CONGENITAL, DUE TO AGRIN DEFICIENCY. Identifiers: Orphanet 590, MedGen C3808739, MONDO:0014052, OMIM 615120.

Allele frequency attached by ClinVar (database versions not stated): gnomAD 0.00001; TOPMed 0.00002; ExAC 0.00003; gnomAD exomes 0.00004 and 0.00003.
gnomAD v4.1: 52 of 1,606,342 alleles (0.0032%); highest among the groups gnomAD compares: Admixed American, 0.0068%; no homozygotes.

Submissions (2):

Ambry Genetics
Classification: Uncertain significance for Inborn genetic diseases. Last evaluated: 2025-11-05. Review status: criteria provided, single submitter. Criteria: Ambry Variant Classification Scheme 2023. Collection method: clinical testing. Allele origin: germline.

Labcorp Genetics (formerly Invitae), Labcorp
Classification: Uncertain significance for Congenital myasthenic syndrome 8. Last evaluated: 2022-06-29. Review status: criteria provided, single submitter. Criteria: Invitae Variant Classification Sherloc (09022015). Collection method: clinical testing. Allele origin: germline.
Comment: This sequence change replaces valine, which is neutral and non-polar, with methionine, which is neutral and non-polar, at codon 1939 of the AGRN protein (p.Val1939Met). This variant is present in population databases (rs753560167, gnomAD 0.009%). This variant has not been reported in the literature in individuals affected with AGRN-related conditions. ClinVar contains an entry for this variant (Variation ID: 1018772). Algorithms developed to predict the effect of missense changes on protein structure and function output the following: SIFT: "Deleterious"; PolyPhen-2: "Probably Damaging"; Align-GVGD: "Class C0". The methionine amino acid residue is found in multiple mammalian species, which suggests that this missense change does not adversely affect protein function. In summary, the available evidence is currently insufficient to determine the role of this variant in disease. Therefore, it has been classified as a Variant of Uncertain Significance.

NM_198576.4(AGRN):c.5815G>A (p.Val1939Met)

Gene: AGRN (agrin; plus strand). Cytogenetic location: 1p36.33.
Variant type: single nucleotide variant.
Coding change: c.5815G>A on transcript NM_198576.4 (MANE Select); coding-DNA position 5815, G replaced by A.
Protein change: p.Val1939Met; replaces valine 1939 with methionine.
Molecular consequence: missense variant.
Genome position (GRCh38, 1-based): chr1:1,053,916, G>A. VCF-style: chr1-1053916-G-A. GRCh37 (hg19) VCF-style: chr1-989296-G-A.
Other names: c.5884G>A, p.Val1962Met (NM_001305275.2); c.5512G>A, p.Val1838Met (NM_001364727.2); c.5815G>A (NM_198576.3); short protein forms V1838M, V1939M, V1962M.
Identifiers: ClinVar variation 1018772 (VCV001018772.7), dbSNP rs753560167, ClinGen allele CA510237.